The following is an entry in ClinVar:

ClinVar aggregate classification (germline): Conflicting classifications of pathogenicity. Review status: criteria provided, conflicting classifications (1 of 4 stars). 4 submissions from 4 submitters: Uncertain significance (2); Likely benign (2). Last evaluated 2024-12-01.

Conditions:
Inborn genetic diseases. Identifiers: MedGen C0950123, MeSH D030342.

Allele frequency attached by ClinVar (database versions not stated): gnomAD 0.00001; TOPMed 0.00001; gnomAD exomes 0.00005.
gnomAD v4.1: 74 of 1,605,908 alleles (0.0046%); highest among the groups gnomAD compares: Non-Finnish European, 0.0058%; no homozygotes.

Submissions (4):

CeGaT Center for Human Genetics Tuebingen
Classification: Likely benign. Last evaluated: 2024-12-01. Review status: criteria provided, single submitter. Criteria: CeGaT Center For Human Genetics Tuebingen Variant Classification Criteria Version 2. Collection method: clinical testing. Allele origin: germline. Affected: yes. Observed: 1 variant allele.
Comment: ARID1B: PM5, BS2

Blueprint Genetics
Classification: Uncertain significance. Last evaluated: 2024-04-30. Review status: criteria provided, single submitter. Criteria: ACMG Guidelines, 2015. Collection method: clinical testing. Allele origin: germline.

Labcorp Genetics (formerly Invitae), Labcorp
Classification: Uncertain significance. Last evaluated: 2023-09-20. Review status: criteria provided, single submitter. Criteria: Invitae Variant Classification Sherloc (09022015). Collection method: clinical testing. Allele origin: germline.
Comment: Advanced modeling of protein sequence and biophysical properties (such as structural, functional, and spatial information, amino acid conservation, physicochemical variation, residue mobility, and thermodynamic stability) has been performed at Invitae for this missense variant, however the output from this modeling did not meet the statistical confidence thresholds required to predict the impact of this variant on ARID1B protein function. This variant has not been reported in the literature in individuals affected with ARID1B-related conditions. This variant is present in population databases (rs201156721, gnomAD 0.003%). This sequence change replaces proline, which is neutral and non-polar, with leucine, which is neutral and non-polar, at codon 800 of the ARID1B protein (p.Pro800Leu). In summary, the available evidence is currently insufficient to determine the role of this variant in disease. Therefore, it has been classified as a Variant of Uncertain Significance.

Ambry Genetics
Classification: Likely benign for Inborn genetic diseases. Last evaluated: 2023-08-28. Review status: criteria provided, single submitter. Criteria: Ambry Variant Classification Scheme 2023. Collection method: clinical testing. Allele origin: germline.

NM_001374828.1(ARID1B):c.2609C>T (p.Pro870Leu)

Gene: ARID1B (AT-rich interaction domain 1B; plus strand). Cytogenetic location: 6q25.3.
Variant type: single nucleotide variant.
Coding change: c.2609C>T on transcript NM_001374828.1 (MANE Select); coding-DNA position 2609, C replaced by T.
Protein change: p.Pro870Leu; replaces proline 870 with leucine.
Molecular consequence: missense variant.
Genome position (GRCh38, 1-based): chr6:157,133,055, C>T. VCF-style: chr6-157133055-C-T. GRCh37 (hg19) VCF-style: chr6-157454189-C-T.
Other names: c.2609C>T, p.Pro870Leu (NM_017519.3); c.2399C>T, p.Pro800Leu (NM_020732.3); c.2186C>T, p.Pro729Leu (NM_175863.2); c.2360C>T, p.Pro787Leu (NM_001346813.1); c.110C>T, p.Pro37Leu (NM_001363725.2); c.2648C>T, p.Pro883Leu (NM_001371656.1, NM_001374820.1); short protein forms P787L, P883L, P37L, P729L, P800L, P870L.
Identifiers: ClinVar variation 2621739 (VCV002621739.19), dbSNP rs201156721, ClinGen allele CA150844397.